The following is an entry in ClinVar:

NM_000245.4(MET):c.2103T>C (p.Ser701=)

Gene: MET (MET proto-oncogene, receptor tyrosine kinase; plus strand). Cytogenetic location: 7q31.2.
Variant type: single nucleotide variant.
Coding change: c.2103T>C on transcript NM_000245.4 (MANE Select); coding-DNA position 2103, T replaced by C.
Protein change: p.Ser701=; no amino-acid change (serine 701 retained).
Molecular consequence: synonymous variant.
Genome position (GRCh38, 1-based): chr7:116,758,459, T>C. VCF-style: chr7-116758459-T-C. GRCh37 (hg19) VCF-style: chr7-116398513-T-C.
Other names: c.2103T>C, p.Ser701= (NM_001127500.3, NM_001324401.3); c.813T>C, p.Ser271= (NM_001324402.2).
Identifiers: ClinVar variation 485792 (VCV000485792.15), dbSNP rs1554395656, ClinGen allele CA457216631.

ClinVar aggregate classification (germline): Conflicting classifications of pathogenicity. Review status: criteria provided, conflicting classifications (1 of 4 stars). 2 submissions from 2 submitters: Uncertain significance (1); Likely benign (1). Last evaluated 2019-07-23.

Conditions:
Renal cell carcinoma. Identifiers: Orphanet 217071, MedGen C0007134, MeSH D002292, MONDO:0005086, HP:0005584.
Hereditary cancer-predisposing syndrome. Also called: Tumor predisposition; Hereditary Cancer Syndrome; Hereditary neoplastic syndrome; Neoplastic Syndromes, Hereditary. Identifiers: Orphanet 140162, MedGen C0027672, MeSH D009386, MONDO:0015356.

Allele frequency attached by ClinVar (database versions not stated): gnomAD exomes below 0.00001.
gnomAD v4.1: 1 of 1,613,526 alleles (0.000062%); highest among the groups gnomAD compares: Non-Finnish European, 0.000085%; no homozygotes.

Submissions (2):

Labcorp Genetics (formerly Invitae), Labcorp
Classification: Uncertain significance for Renal cell carcinoma. Last evaluated: 2019-07-23. Review status: criteria provided, single submitter. Criteria: Invitae Variant Classification Sherloc (09022015). Collection method: clinical testing. Allele origin: germline.
Comment: In summary, the available evidence is currently insufficient to determine the role of this variant in disease. Therefore, it has been classified as a Variant of Uncertain Significance. Algorithms developed to predict the effect of sequence changes on RNA splicing suggest that this variant is not likely to affect RNA splicing, but this prediction has not been confirmed by published transcriptional studies. This variant has not been reported in the literature in individuals with MET-related conditions. ClinVar contains an entry for this variant (Variation ID: 485792). This variant is not present in population databases (ExAC no frequency). This sequence change affects codon 701 of the MET mRNA. It is a 'silent' change, meaning that it does not change the encoded amino acid sequence of the MET protein.

Ambry Genetics
Classification: Likely benign for Hereditary cancer-predisposing syndrome. Last evaluated: 2017-09-25. Review status: criteria provided, single submitter. Criteria: Ambry Variant Classification Scheme 2023. Collection method: clinical testing. Allele origin: germline.